The following is an entry in ClinVar:

ClinVar aggregate classification (germline): Pathogenic (1 of 4 stars; one submission).

Allele frequency attached by ClinVar (database versions not stated): gnomAD exomes below 0.00001.
gnomAD v4.1: 1 of 1,613,730 alleles (0.000062%); highest among the groups gnomAD compares: Non-Finnish European, 0.000085%; no homozygotes.

Submission:

GeneDx
Classification: Pathogenic. Last evaluated: 2014-09-16. Review status: criteria provided, single submitter. Criteria: GeneDx Variant Classification (06012015). Collection method: clinical testing. Allele origin: germline. Affected: yes.
Comment: Although the c.1515-2 A>G mutation has not been reported as a disease-causing mutation or as a benign polymorphism to our knowledge, this mutation destroys the canonical splice acceptor site in intron 11 and is predicted to cause abnormal gene splicing. The mutation is predicted to lead to either an abnormal message that is subject to nonsense-mediated mRNA decay, or to an abnormal protein product if the message is used for protein translation. Other splice site mutations in the KCNQ1 gene have been reported in association with LQTS. In summary, c.1515-2 A>G in the KCNQ1 gene is interpreted as a disease-causing mutation. The variant is found in LQT panel(s).

NM_000218.3(KCNQ1):c.1515-2A>G

Gene: KCNQ1 (potassium voltage-gated channel subfamily Q member 1; plus strand). Cytogenetic location: 11p15.5.
Variant type: single nucleotide variant.
Coding change: c.1515-2A>G on transcript NM_000218.3 (MANE Select); the canonical splice acceptor site of the intron before coding-DNA position 1515, A replaced by G.
Molecular consequence: splice acceptor variant.
Genome position (GRCh38, 1-based): chr11:2,768,842, A>G. VCF-style: chr11-2768842-A-G. GRCh37 (hg19) VCF-style: chr11-2790072-A-G.
Other names: c.1245-2A>G (NM_001406837.1); c.1419-2A>G (NM_001406836.1); c.975-2A>G (NM_001406838.1); c.1134-2A>G (NM_181798.2).
Identifiers: ClinVar variation 200905 (VCV000200905.4), dbSNP rs794728573, ClinGen allele CA005838.
Genomic context (GRCh38, chr11:2,768,842, plus strand): 5'-CAGTGAGGGGATGACCAGCACAGGGTGGCCACTCACAATCTCCTCTCCTCTCTCCACTGC[A>G]GGCTGCGGGAACACCATCGGGCCACCATTAAGGTCATTCGACGCATGCAGTACTTTGTGG-3'